The following is an entry in ClinVar:

NM_006494.4(ERF):c.997_1034del (p.Leu332_His333insTer)

Gene: ERF (ETS2 repressor factor; minus strand). Cytogenetic location: 19q13.2.
Variant type: Deletion.
Coding change: c.997_1034del on transcript NM_006494.4 (MANE Select); coding-DNA positions 997 to 1034, 38 bases deleted.
Protein change: p.Leu332_His333insTer.
Molecular consequence: nonsense.
Genome position (GRCh38, 1-based): chr19:42,249,078-42,249,115, 38 bases deleted. GRCh37 (hg19): chr19:42,753,230-42,753,267.
Other names: c.772_809del, p.Leu257_His258insTer (NM_001301035.2, NM_001308402.2, NM_001312656.2).
Identifiers: ClinVar variation 2810553 (VCV002810553.3), dbSNP rs2513520556, ClinGen allele CA2739276834.

ClinVar aggregate classification (germline): Pathogenic (1 of 4 stars; one submission).

Conditions:
TWIST1-related craniosynostosis (CRS1). Also called: CRANIOSYNOSTOSIS 1. Identifiers: Orphanet 63440, MedGen C4551902, MONDO:0007399, OMIM 123100. Inheritance: Heterogenous inheritance pattern.

Submission:

Labcorp Genetics (formerly Invitae), Labcorp
Classification: Pathogenic for TWIST1-related craniosynostosis. Last evaluated: 2022-10-29. Review status: criteria provided, single submitter. Criteria: Invitae Variant Classification Sherloc (09022015). Collection method: clinical testing. Allele origin: germline.
Comment: For these reasons, this variant has been classified as Pathogenic. This variant disrupts a region of the ERF protein in which other variant(s) (p.Gln424*) have been determined to be pathogenic (PMID: 23354439, 30758909). This suggests that this is a clinically significant region of the protein, and that variants that disrupt it are likely to be disease-causing. This variant has not been reported in the literature in individuals affected with ERF-related conditions. This variant is not present in population databases (gnomAD no frequency). This sequence change creates a premature translational stop signal (p.His333*) in the ERF gene. While this is not anticipated to result in nonsense mediated decay, it is expected to disrupt the last 216 amino acid(s) of the ERF protein.

Literature cited by the submitters: PubMed 23354439; PubMed 30758909.